The following is an entry in ClinVar:

ClinVar aggregate classification (germline): Pathogenic (1 of 4 stars; one submission).

Submission:

Labcorp Genetics (formerly Invitae), Labcorp
Classification: Pathogenic. Last evaluated: 2022-10-13. Review status: criteria provided, single submitter. Criteria: Invitae Variant Classification Sherloc (09022015). Collection method: clinical testing. Allele origin: germline.
Comment: For these reasons, this variant has been classified as Pathogenic. This variant has not been reported in the literature in individuals affected with MMP13-related conditions. This variant is present in population databases (no rsID available, gnomAD 0.0009%). This sequence change creates a premature translational stop signal (p.Lys393Glyfs*17) in the MMP13 gene. It is expected to result in an absent or disrupted protein product. Loss-of-function variants in MMP13 are known to be pathogenic (PMID: 24781753, 31413057).

Literature cited by the submitters: PubMed 24781753; PubMed 31413057.

NM_002427.4(MMP13):c.1166_1175dup (p.Lys393fs)

Gene: MMP13 (matrix metallopeptidase 13; minus strand). Cytogenetic location: 11q22.2.
Variant type: Duplication.
Coding change: c.1166_1175dup on transcript NM_002427.4 (MANE Select); coding-DNA positions 1166 to 1175, 10 bases duplicated (AGGATACAGG; older notation c.1166_1175dupAGGATACAGG).
Protein change: p.Lys393fs; shifts the reading frame from lysine 393.
Molecular consequence: frameshift variant.
Genome position (GRCh38, 1-based): chr11:102,947,927-102,947,936, CCTGTATCCT duplicated on the plus strand (AGGATACAGG on the coding strand, the reverse complement: MMP13 is on the minus strand); duplicating any 10 consecutive bases within chr11:102,947,927-102,947,937 gives the same sequence; the c. name uses the placement nearest the transcript's 3' end. VCF-style (leftmost placement, unchanged base first): chr11-102947926-G-GCCTGTATCCT. GRCh37 (hg19) VCF-style: chr11-102818655-G-GCCTGTATCCT.
Other names: short protein forms K393fs.
Identifiers: ClinVar variation 2035434 (VCV002035434.4), dbSNP rs1555016836, ClinGen allele CA601669818.